The following is an entry in ClinVar:

NM_013382.7(POMT2):c.1311T>G (p.Tyr437Ter)

Gene: POMT2 (protein O-mannosyltransferase 2; minus strand). Cytogenetic location: 14q24.3.
Variant type: single nucleotide variant.
Coding change: c.1311T>G on transcript NM_013382.7 (MANE Select); coding-DNA position 1311, T replaced by G.
Protein change: p.Tyr437Ter; replaces tyrosine 437 with a stop codon.
Molecular consequence: nonsense.
Genome position (GRCh38, 1-based): chr14:77,286,765, A>C on the plus strand (T>G on the coding strand, the complement: POMT2 is on the minus strand). VCF-style: chr14-77286765-A-C. GRCh37 (hg19) VCF-style: chr14-77753108-A-C.
Other names: short protein forms Y437*.
Identifiers: ClinVar variation 2953272 (VCV002953272.3), dbSNP rs2503203091, ClinGen allele CA390517673.

ClinVar aggregate classification (germline): Pathogenic (1 of 4 stars; one submission).

Conditions:
Muscular dystrophy-dystroglycanopathy (congenital with impaired intellectual development), type B, 2. Also called: MUSCULAR DYSTROPHY, CONGENITAL, POMT2-RELATED; Muscular dystrophy-dystroglycanopathy (congenital with intellectual disability), type B2. Identifiers: MedGen C3150416, MONDO:0013160, OMIM 613156.
Muscular dystrophy-dystroglycanopathy (congenital with brain and eye anomalies), type A2. Also called: MUSCULAR DYSTROPHY-DYSTROGLYCANOPATHY (CONGENITAL WITH BRAIN AND EYE ANOMALIES), TYPE A, 2; WALKER-WARBURG SYNDROME OR MUSCLE-EYE-BRAIN DISEASE, POMT2-RELATED. Identifiers: Orphanet 588, Orphanet 899, MedGen C3150411, MONDO:0013154, OMIM 613150.
Autosomal recessive limb-girdle muscular dystrophy type 2N. Also called: MUSCULAR DYSTROPHY-DYSTROGLYCANOPATHY, LIMB-GIRDLE, POMT2-RELATED; Muscular dystrophy-dystroglycanopathy (limb-girdle), type C, 2. Identifiers: Orphanet 206559, MedGen C3150418, MONDO:0013162, OMIM 613158.

Submission:

Labcorp Genetics (formerly Invitae), Labcorp
Classification: Pathogenic for Muscular dystrophy-dystroglycanopathy (congenital with impaired intellectual development), type B, 2; Muscular dystrophy-dystroglycanopathy (congenital with brain and eye anomalies), type A2; Autosomal recessive limb-girdle muscular dystrophy type 2N. Last evaluated: 2023-10-24. Review status: criteria provided, single submitter. Criteria: Invitae Variant Classification Sherloc (09022015). Collection method: clinical testing. Allele origin: germline.
Comment: This sequence change creates a premature translational stop signal (p.Tyr437*) in the POMT2 gene. It is expected to result in an absent or disrupted protein product. Loss-of-function variants in POMT2 are known to be pathogenic (PMID: 15894594). This variant is not present in population databases (gnomAD no frequency). This variant has not been reported in the literature in individuals affected with POMT2-related conditions. For these reasons, this variant has been classified as Pathogenic.

Literature cited by the submitters: PubMed 15894594.